The following is an entry in ClinVar:

ClinVar aggregate classification (germline): Uncertain significance (1 of 4 stars; one submission).

Conditions:
Brugada syndrome 8 (BRGDA8). Identifiers: Orphanet 130, MedGen C2751083, MONDO:0013148, OMIM 613123.

Submission:

Labcorp Genetics (formerly Invitae), Labcorp
Classification: Uncertain significance for Brugada syndrome 8. Last evaluated: 2024-07-31. Review status: criteria provided, single submitter. Criteria: Invitae Variant Classification Sherloc (09022015). Collection method: clinical testing. Allele origin: germline.
Comment: This sequence change replaces leucine, which is neutral and non-polar, with tryptophan, which is neutral and slightly polar, at codon 310 of the HCN4 protein (p.Leu310Trp). This variant is not present in population databases (gnomAD no frequency). This variant has not been reported in the literature in individuals affected with HCN4-related conditions. Advanced modeling of protein sequence and biophysical properties (such as structural, functional, and spatial information, amino acid conservation, physicochemical variation, residue mobility, and thermodynamic stability) has been performed at Invitae for this missense variant, however the output from this modeling did not meet the statistical confidence thresholds required to predict the impact of this variant on HCN4 protein function. In summary, the available evidence is currently insufficient to determine the role of this variant in disease. Therefore, it has been classified as a Variant of Uncertain Significance.

NM_005477.3(HCN4):c.929T>G (p.Leu310Trp)

Genes: HCN4 (hyperpolarization activated cyclic nucleotide gated potassium channel 4; minus strand), LOC105370890 (uncharacterized LOC105370890; plus strand), LOC126862173 (CDK7 strongly-dependent group 2 enhancer GRCh37_chr15:73635762-73636961; plus strand). Cytogenetic location: 15q24.1.
Variant type: single nucleotide variant.
Coding change: c.929T>G on transcript NM_005477.3 (MANE Select); coding-DNA position 929, T replaced by G.
Protein change: p.Leu310Trp; replaces leucine 310 with tryptophan.
Molecular consequence: missense variant.
Genome position (GRCh38, 1-based): chr15:73,343,665, A>C on the plus strand (T>G on the coding strand, the complement: HCN4 is on the minus strand). VCF-style: chr15-73343665-A-C. GRCh37 (hg19) VCF-style: chr15-73636006-A-C.
Other names: short protein forms L310W.
Identifiers: ClinVar variation 3661149 (VCV003661149.2).